The following is an entry in ClinVar:

NM_052989.3(IFT122):c.2313C>A (p.Tyr771Ter)

Gene: IFT122 (intraflagellar transport 122; plus strand). Cytogenetic location: 3q22.1.
Variant type: single nucleotide variant.
Coding change: c.2313C>A on transcript NM_052989.3 (MANE Select); coding-DNA position 2313, C replaced by A.
Protein change: p.Tyr771Ter; replaces tyrosine 771 with a stop codon.
Molecular consequence: nonsense.
Genome position (GRCh38, 1-based): chr3:129,500,006, C>A. VCF-style: chr3-129500006-C-A. GRCh37 (hg19) VCF-style: chr3-129218849-C-A.
Other names: c.2289C>A, p.Tyr763Ter (NM_001280541.2); c.1863C>A, p.Tyr621Ter (NM_001280545.2); c.1686C>A, p.Tyr562Ter (NM_001280546.2); c.2313C>A, p.Tyr771Ter (NM_001410808.1); c.2259C>A, p.Tyr753Ter (NM_001410809.1); c.2136C>A, p.Tyr712Ter (NM_001410810.1, NM_018262.4); c.2082C>A, p.Tyr694Ter (NM_001410811.1, NM_001410813.1); c.1980C>A, p.Tyr660Ter (NM_001410815.1, NM_052990.3); and 2 more; short protein forms Y621*, Y660*, Y763*, Y642*, Y771*, Y753*, Y562*, Y694*.
Identifiers: ClinVar variation 1895969 (VCV001895969.7), dbSNP rs770590297, ClinGen allele CA2606470.

ClinVar aggregate classification (germline): Pathogenic/Likely pathogenic. Review status: criteria provided, multiple submitters, no conflicts (2 of 4 stars). 3 submissions from 3 submitters: Pathogenic (2); Likely pathogenic (1). Last evaluated 2025-03-05.

Conditions:
Cranioectodermal dysplasia 1 (CED1). Also called: LEVIN SYNDROME I. Identifiers: Orphanet 1515, MedGen C0432235, MONDO:0021093, OMIM 218330.

Allele frequency attached by ClinVar (database versions not stated): ExAC 0.00001; gnomAD exomes 0.00001; gnomAD 0.00002; TOPMed 0.00002.
gnomAD v4.1: 24 of 1,614,086 alleles (0.0015%); highest among the groups gnomAD compares: East Asian, 0.0022%; no homozygotes.

Submissions (3):

Labcorp Genetics (formerly Invitae), Labcorp
Classification: Pathogenic for Cranioectodermal dysplasia 1. Last evaluated: 2025-03-05. Review status: criteria provided, single submitter. Criteria: Invitae Variant Classification Sherloc (09022015). Collection method: clinical testing. Allele origin: germline.
Comment: This sequence change creates a premature translational stop signal (p.Tyr822*) in the IFT122 gene. It is expected to result in an absent or disrupted protein product. Loss-of-function variants in IFT122 are known to be pathogenic (PMID: 20493458, 23826986, 26792575). The frequency data for this variant in the population databases is considered unreliable, as metrics indicate poor data quality at this position in the gnomAD database. This variant has not been reported in the literature in individuals affected with IFT122-related conditions. ClinVar contains an entry for this variant (Variation ID: 1895969). For these reasons, this variant has been classified as Pathogenic.

Fulgent Genetics
Classification: Likely pathogenic for Cranioectodermal dysplasia 1. Last evaluated: 2024-05-11. Review status: criteria provided, single submitter. Criteria: ACMG Guidelines, 2015. Collection method: clinical testing. Allele origin: germline.

ARUP Laboratories, Molecular Genetics and Genomics, ARUP Laboratories
Classification: Pathogenic for Cranioectodermal dysplasia 1. Review status: criteria provided, single submitter. Criteria: ARUP Molecular Germline Variant Investigation Process 2024. Collection method: clinical testing. Allele origin: germline.
Comment: The IFT122 c.2466C>A; p.Tyr822Ter variant (rs770590297), to our knowledge, is not reported in the medical literature but is reported in ClinVar (Variation ID: 1895969). This variant is found in the general population with an overall allele frequency of 0.000008 (2/251486 alleles) in the Genome Aggregation Database (v2.1.1), indicating it is not a common polymorphism. This variant induces an early termination codon and is predicted to result in a truncated protein or mRNA subject to nonsense-mediated decay. Based on available information, this variant is considered to be pathogenic.

Literature cited by the submitters: PubMed 20493458 (cited by Labcorp Genetics (formerly Invitae), Labcorp); PubMed 23826986 (cited by Labcorp Genetics (formerly Invitae), Labcorp); PubMed 26792575 (cited by Labcorp Genetics (formerly Invitae), Labcorp).